The following is an entry in ClinVar:

ClinVar aggregate classification (germline): Uncertain significance. Review status: criteria provided, multiple submitters, no conflicts (2 of 4 stars). 3 submissions from 3 submitters: Uncertain significance (3). Last evaluated 2025-01-13.

Conditions:
Cardiovascular phenotype. Identifiers: MedGen CN230736.

Allele frequency attached by ClinVar (database versions not stated): ExAC 0.00001; gnomAD exomes 0.00001; gnomAD 0.00005 and 0.00006; TOPMed 0.00006.
gnomAD v4.1: 16 of 1,613,920 alleles (0.00099%); highest among the groups gnomAD compares: African/African-American, 0.021%; no homozygotes.

Submissions (3):

GeneDx
Classification: Uncertain significance. Last evaluated: 2025-01-13. Review status: criteria provided, single submitter. Criteria: GeneDx Variant Classification Process June 2021. Collection method: clinical testing. Allele origin: germline. Affected: yes.
Comment: Not observed at significant frequency in large population cohorts (gnomAD); Missense variant in a gene in which most reported pathogenic variants are truncating/loss of function; Has not been previously published as pathogenic or benign to our knowledge

Athena Diagnostics
Classification: Uncertain significance. Last evaluated: 2021-04-23. Review status: criteria provided, single submitter. Criteria: Athena Diagnostics criteria. Collection method: clinical testing. Allele origin: unknown.

Ambry Genetics
Classification: Uncertain significance for Cardiovascular phenotype. Last evaluated: 2020-05-06. Review status: criteria provided, single submitter. Criteria: Ambry Variant Classification Scheme 2023. Collection method: clinical testing. Allele origin: germline.
Comment: The p.V2157A variant (also known as c.6470T>C), located in coding exon 27 of the TTN gene, results from a T to C substitution at nucleotide position 6470. The valine at codon 2157 is replaced by alanine, an amino acid with similar properties. This amino acid position is well conserved in available vertebrate species. In addition, this alteration is predicted to be tolerated by in silico analysis. Since supporting evidence is limited at this time, the clinical significance of this alteration remains unclear.

NM_001267550.2(TTN):c.6608T>C (p.Val2203Ala)

Gene: TTN (titin; minus strand). Cytogenetic location: 2q31.2.
Variant type: single nucleotide variant.
Coding change: c.6608T>C on transcript NM_001267550.2 (MANE Select); coding-DNA position 6608, T replaced by C.
Protein change: p.Val2203Ala; replaces valine 2203 with alanine.
Molecular consequence: missense variant.
Genome position (GRCh38, 1-based): chr2:178,775,103, A>G on the plus strand (T>C on the coding strand, the complement: TTN is on the minus strand). VCF-style: chr2-178775103-A-G. GRCh37 (hg19) VCF-style: chr2-179639830-A-G.
Other names: c.6608T>C, p.Val2203Ala (NM_001256850.1, NM_133378.4, NM_133379.5); c.6470T>C, p.Val2157Ala (NM_003319.4, NM_133432.3, NM_133437.4); short protein forms V2157A, V2203A.
Identifiers: ClinVar variation 1256066 (VCV001256066.4), dbSNP rs746433556, ClinGen allele CA2005007.